The following is an entry in ClinVar:

ClinVar aggregate classification (germline): Likely benign (1 of 4 stars; one submission).

Allele frequency attached by ClinVar (database versions not stated): ExAC 0.00011; TOPMed 0.00017 and 0.00018.

Submission:

GeneDx
Classification: Likely benign. Last evaluated: 2017-04-24. Review status: criteria provided, single submitter. Criteria: GeneDx Variant Classification (06012015). Collection method: clinical testing. Allele origin: germline. Affected: yes.
Comment: This variant is considered likely benign or benign based on one or more of the following criteria: it is a conservative change, it occurs at a poorly conserved position in the protein, it is predicted to be benign by multiple in silico algorithms, and/or has population frequency not consistent with disease.

NM_001614.5(ACTG1):c.-50C>T

Gene: ACTG1 (actin gamma 1; minus strand). Cytogenetic location: 17q25.3.
Variant type: single nucleotide variant.
Coding change: c.-50C>T on transcript NM_001614.5 (MANE Select); 50 bases upstream of the start codon, C replaced by T.
Molecular consequence: 5 prime UTR variant. On other transcripts: non-coding transcript variant (1).
Genome position (GRCh38, 1-based): chr17:81,512,777, G>A on the plus strand (C>T on the coding strand, the complement: ACTG1 is on the minus strand). VCF-style: chr17-81512777-G-A. GRCh37 (hg19) VCF-style: chr17-79479803-G-A.
Other names: c.-169C>T (NM_001199954.3).
Identifiers: ClinVar variation 509153 (VCV000509153.1), dbSNP rs782569038, ClinGen allele CA8836513.
Genomic context (GRCh38, chr17:81,512,777, plus strand): 5'-CGGGGCGGGGCGCTCACCGGCAGAGAAACGCGACGGCGGAGCGGCGGAAGAACAGAGTGC[G>A]AGAGCTGGCAGCGGCGACTGAGACCGACCGCGGCCTCCCCCGCCGTTATTTAAGCGGAAG-3'